The following is an entry in ClinVar:

ClinVar aggregate classification (germline): Uncertain significance (1 of 4 stars; one submission).

Submission:

Labcorp Genetics (formerly Invitae), Labcorp
Classification: Uncertain significance. Last evaluated: 2022-11-17. Review status: criteria provided, single submitter. Criteria: Invitae Variant Classification Sherloc (09022015). Collection method: clinical testing. Allele origin: germline.
Comment: In summary, the available evidence is currently insufficient to determine the role of this variant in disease. Therefore, it has been classified as a Variant of Uncertain Significance. Algorithms developed to predict the effect of missense changes on protein structure and function are either unavailable or do not agree on the potential impact of this missense change (SIFT: "Deleterious"; PolyPhen-2: "Benign"; Align-GVGD: "Class C45"). This variant has not been reported in the literature in individuals affected with UQCC2-related conditions. This variant is not present in population databases (gnomAD no frequency). This sequence change replaces glutamine, which is neutral and polar, with lysine, which is basic and polar, at codon 33 of the UQCC2 protein (p.Gln33Lys).

NM_032340.4(UQCC2):c.97C>A (p.Gln33Lys)

Gene: UQCC2 (ubiquinol-cytochrome c reductase complex assembly factor 2; minus strand). Cytogenetic location: 6p21.31.
Variant type: single nucleotide variant.
Coding change: c.97C>A on transcript NM_032340.4 (MANE Select); coding-DNA position 97, C replaced by A.
Protein change: p.Gln33Lys; replaces glutamine 33 with lysine.
Molecular consequence: missense variant.
Genome position (GRCh38, 1-based): chr6:33,711,590, G>T on the plus strand (C>A on the coding strand, the complement: UQCC2 is on the minus strand). VCF-style: chr6-33711590-G-T. GRCh37 (hg19) VCF-style: chr6-33679367-G-T.
Other names: short protein forms Q33K.
Identifiers: ClinVar variation 2982576 (VCV002982576.3), dbSNP rs2127339832, ClinGen allele CA363681083.